The following is an entry in ClinVar:

ClinVar aggregate classification (germline): Conflicting classifications of pathogenicity. Review status: criteria provided, conflicting classifications (1 of 4 stars). 10 submissions from 10 submitters: Uncertain significance (7); Likely benign (2). 1 of the submissions does not count toward it. Last evaluated 2025-12-29.

Conditions:
Hereditary cancer-predisposing syndrome. Also called: Tumor predisposition; Hereditary Cancer Syndrome; Hereditary neoplastic syndrome; Neoplastic Syndromes, Hereditary. Identifiers: Orphanet 140162, MedGen C0027672, MeSH D009386, MONDO:0015356.
Lynch syndrome. Identifiers: Orphanet 144, MedGen C4552100, MONDO:0005835. Disease mechanism: loss of function.
Lynch syndrome 5 (LYNCH5). Also called: Colorectal cancer, hereditary nonpolyposis, type 5; Hereditary non-polyposis colorectal cancer, type 5. Identifiers: Orphanet 144, MedGen C1833477, MONDO:0013710, OMIM 614350. Disease mechanism: loss of function.
Hereditary nonpolyposis colorectal neoplasms. Identifiers: MedGen C0009405, MeSH D003123.
Endometrial carcinoma. Also called: Endometrial carcinoma, somatic. Identifiers: MedGen C0476089, MONDO:0002447, OMIM 608089, HP:0012114.

Allele frequency attached by ClinVar (database versions not stated): gnomAD exomes 0.00001; gnomAD 0.00002; TOPMed 0.00002.
gnomAD v4.1: 14 of 1,614,100 alleles (0.00087%); highest among the groups gnomAD compares: Middle Eastern, 0.016%; no homozygotes.

Submissions (10):

Center for Genomic Medicine, Rigshospitalet, Copenhagen University Hospital
Classification: Uncertain significance. Last evaluated: 2025-12-29. Review status: criteria provided, single submitter. Criteria: ACMG Guidelines, 2015. Collection method: clinical testing. Allele origin: germline.

Color Diagnostics, LLC DBA Color Health
Classification: Uncertain significance for Hereditary cancer-predisposing syndrome. Last evaluated: 2025-12-10. Review status: criteria provided, single submitter. Criteria: ACMG Guidelines, 2015. Collection method: clinical testing. Allele origin: germline.
Comment: This missense variant replaces isoleucine with valine at codon 251 of the MSH6 protein. Computational prediction suggests that this variant may not impact protein structure and function. To our knowledge, functional studies have not been reported for this variant. This variant has been reported in a family affected with hereditary breast and colorectal cancer (PMID: 19924528), and in related individuals affected with pancreatic and thyroid cancer (PMID: 35901820). This variant has been identified in 14/1614100 chromosomes in the general population by the Genome Aggregation Database (gnomAD). The available evidence is insufficient to determine the role of this variant in disease conclusively. Therefore, this variant is classified as a Variant of Uncertain Significance.

Labcorp Genetics (formerly Invitae), Labcorp
Classification: Likely benign for Hereditary nonpolyposis colorectal neoplasms. Last evaluated: 2025-12-10. Review status: criteria provided, single submitter. Criteria: Invitae Variant Classification Sherloc (09022015). Collection method: clinical testing. Allele origin: germline.

Quest Diagnostics Nichols Institute San Juan Capistrano
Classification: Uncertain significance. Last evaluated: 2025-07-24. Review status: criteria provided, single submitter. Criteria: Quest Diagnostics criteria. Collection method: clinical testing. Allele origin: unknown.
Comment: The MSH6 c.751A>G (p.Ile251Val) variant has been reported in an individual with hereditary breast/colorectal cancer (PMID: 19924528 (2009)), and in three siblings with pancreatic and thyroid cancer who also carried germline variants in other cancer-associated genes (PMID: 35901820 (2022)). In a case-control study, this variant was observed in individuals with breast cancer as well as in a reportedly unaffected individual (PMID: 33471991 (2021), see LOVD). The frequency of this variant in the general population (Genome Aggregation Database) is uninformative in the assessment of its pathogenicity. Analysis of this variant using bioinformatics tools for the prediction of the effect of amino acid changes on protein structure and function yielded predictions that this variant is benign. Based on the available information, we are unable to determine the clinical significance of this variant.

Ambry Genetics
Classification: Likely benign for Hereditary cancer-predisposing syndrome. Last evaluated: 2024-10-11. Review status: criteria provided, single submitter. Criteria: Ambry Variant Classification Scheme 2023. Collection method: clinical testing. Allele origin: germline.

Baylor Genetics
Classification: Uncertain significance for Endometrial carcinoma. Last evaluated: 2024-02-01. Review status: criteria provided, single submitter. Criteria: ACMG Guidelines, 2015. Collection method: clinical testing. Allele origin: unknown.

All of Us Research Program, National Institutes of Health
Classification: Uncertain significance for Lynch syndrome. Last evaluated: 2023-11-20. Review status: criteria provided, single submitter. Criteria: ACMG Guidelines, 2015. Collection method: clinical testing. Allele origin: germline. Inheritance: Autosomal dominant inheritance. Observed: 3 variant alleles, 3 heterozygotes.
Comment: This missense variant replaces isoleucine with valine at codon 251 of the MSH6 protein. Computational prediction suggests that this variant may not impact protein structure and function (internally defined REVEL score threshold <= 0.5, PMID: 27666373). To our knowledge, functional studies have not been reported for this variant. This variant has been reported in a family affected with hereditary breast and colorectal cancer (PMID: 19924528), and in related individuals affected with pancreatic and thyroid cancer (PMID: 35901820). This variant has been identified in 2/251160 chromosomes in the general population by the Genome Aggregation Database (gnomAD). The available evidence is insufficient to determine the role of this variant in disease conclusively. Therefore, this variant is classified as a Variant of Uncertain Significance.

This study involves interpretation of variants in research participants for the purpose of population health screening. Participant phenotype was not available at the time of variant classification. Additional details can be found in publication PMID: 35346344, PMCID: PMC8962531

GeneDx
Classification: Uncertain significance. Last evaluated: 2023-08-26. Review status: criteria provided, single submitter. Criteria: GeneDx Variant Classification Process June 2021. Collection method: clinical testing. Allele origin: germline. Affected: yes.
Comment: Not observed at significant frequency in large population cohorts (gnomAD); In silico analysis supports that this missense variant does not alter protein structure/function; Observed in individuals with hereditary breast and colon cancer and in 3 sisters with pancreatic and/or thyroid cancer (Wasielewski et al., 2010; Milella et al., 2022); This variant is associated with the following publications: (PMID: 23621914, 29596542, 22290698, 26333163, 21437237, 19924528, 35901820, 26635394)

Myriad Genetics, Inc.
Classification: Uncertain significance for Lynch syndrome 5. Last evaluated: 2023-03-29. Review status: criteria provided, single submitter. Criteria: Myriad Autosomal Dominant, Autosomal Recessive and X-Linked Classification Criteria (2023). Collection method: clinical testing. Allele origin: unknown.
Comment: This variant is classified as a variant of uncertain significance as there is insufficient evidence to determine its impact on protein function and/or cancer risk.

Counsyl
Classification: Uncertain significance for Lynch syndrome 5. Last evaluated: 2017-01-04. Review status: no assertion criteria provided. Collection method: clinical testing. Allele origin: unknown. Not counted in ClinVar's aggregate classification.

Literature cited by the submitters: PubMed 19924528 (cited by 4 submitters); PubMed 35901820 (cited by 3 submitters); PubMed 33471991 (cited by Quest Diagnostics Nichols Institute San Juan Capistrano); PubMed 37937776 (cited by Quest Diagnostics Nichols Institute San Juan Capistrano); PubMed 23621914 (cited by Counsyl); PubMed 22290698 (cited by Counsyl); PubMed 26635394 (cited by Counsyl); PubMed 26333163 (cited by Counsyl).

NM_000179.3(MSH6):c.751A>G (p.Ile251Val)

Gene: MSH6 (mutS homolog 6; plus strand). Cytogenetic location: 2p16.3.
Variant type: single nucleotide variant.
Coding change: c.751A>G on transcript NM_000179.3 (MANE Select); coding-DNA position 751, A replaced by G.
Protein change: p.Ile251Val; replaces isoleucine 251 with valine.
Molecular consequence: missense variant. On other transcripts: 5 prime UTR variant (2).
Genome position (GRCh38, 1-based): chr2:47,798,734, A>G. VCF-style: chr2-47798734-A-G. GRCh37 (hg19) VCF-style: chr2-48025873-A-G.
Other names: c.361A>G, p.Ile121Val (NM_001281492.2); c.-156A>G (NM_001281493.2, NM_001281494.2); short protein forms I251V, I121V.
Identifiers: ClinVar variation 89564 (VCV000089564.48), dbSNP rs554884560, ClinGen allele CA016421.